The following is an entry in ClinVar:

NM_000020.3(ACVRL1):c.525+3A>G

Gene: ACVRL1 (activin A receptor like type 1; plus strand). Cytogenetic location: 12q13.13.
Variant type: single nucleotide variant.
Coding change: c.525+3A>G on transcript NM_000020.3 (MANE Select); 3 bases into the intron after coding-DNA position 525, A replaced by G.
Molecular consequence: intron variant.
Genome position (GRCh38, 1-based): chr12:51,913,773, A>G. VCF-style: chr12-51913773-A-G. GRCh37 (hg19) VCF-style: chr12-52307557-A-G.
Other names: c.525+3A>G (NM_001406487.1, NM_001406488.1, NM_001077401.2 and 1 more transcripts); c.313+423A>G (NM_001406491.1, NM_001406490.1, NM_001406492.1 and 2 more transcripts); c.62-666A>G (NM_001406495.1).
Identifiers: ClinVar variation 2735866 (VCV002735866.3), dbSNP rs2540161015, ClinGen allele CA2695216707.

ClinVar aggregate classification (germline): Pathogenic (1 of 4 stars; one submission).

Conditions:
Telangiectasia, hereditary hemorrhagic, type 2 (HHT2). Also called: ACVRL1-Related Hereditary Hemorrhagic Telangiectasia; Telangiectasia, hereditary hemorrhagic, type II. Identifiers: Orphanet 774, MedGen C1838163, MONDO:0010880, OMIM 600376. Disease mechanism: loss of function.

Submission:

Labcorp Genetics (formerly Invitae), Labcorp
Classification: Pathogenic for Telangiectasia, hereditary hemorrhagic, type 2. Last evaluated: 2024-03-16. Review status: criteria provided, single submitter. Criteria: Invitae Variant Classification Sherloc (09022015). Collection method: clinical testing. Allele origin: germline.
Comment: This sequence change falls in intron 4 of the ACVRL1 gene. It does not directly change the encoded amino acid sequence of the ACVRL1 protein. It affects a nucleotide within the consensus splice site. This variant is not present in population databases (gnomAD no frequency). This variant has been observed in individual(s) with hereditary hemorrhagic telangiectasia (PMID: 18495117). It has also been observed to segregate with disease in related individuals. Variants that disrupt the consensus splice site are a relatively common cause of aberrant splicing (PMID: 17576681, 9536098). Algorithms developed to predict the effect of sequence changes on RNA splicing suggest that this variant may disrupt the consensus splice site. This variant disrupts the c.525+3A>T nucleotide in the ACVRL1 gene. Other variant(s) that disrupt this nucleotide have been determined to be pathogenic (PMID: 17425869). This suggests that this nucleotide is clinically significant, and that variants that disrupt this position are likely to be disease-causing. For these reasons, this variant has been classified as Pathogenic.

Literature cited by the submitters: PubMed 18495117; PubMed 17576681; PubMed 9536098; PubMed 17425869.